The following is an entry in ClinVar:

ClinVar aggregate classification (germline): Pathogenic. Review status: criteria provided, multiple submitters, no conflicts (2 of 4 stars). 4 submissions from 4 submitters: Pathogenic (3). 1 of the submissions does not count toward it. Last evaluated 2025-10-20.

Conditions:
DFNB31-related disorder. Also called: DFNB31-related disorders.
Usher syndrome. Also called: Usher's syndrome; Usher Syndromes. Identifiers: Orphanet 886, MedGen CN469326, MeSH D052245, MONDO:0019501. Disease mechanism: loss of function.
Usher syndrome type 2D. Also called: USHER SYNDROME, TYPE IID. Identifiers: Orphanet 231178, Orphanet 886, MedGen C1568249, MONDO:0012662, OMIM 611383.

Submissions (4):

Women's Health and Genetics/Laboratory Corporation of America, LabCorp
Classification: Pathogenic for Usher syndrome. Last evaluated: 2025-10-20. Review status: criteria provided, single submitter. Criteria: LabCorp Variant Classification Summary - May 2015. Collection method: clinical testing. Allele origin: germline.
Comment: Variant summary: WHRN c.737delC (p.Pro246HisfsX13) results in a premature termination codon, predicted to cause a truncation of the encoded protein or absence of the protein due to nonsense mediated decay, which are commonly known mechanisms for disease. The variant was absent in 249412 control chromosomes. c.737delC has been observed in individuals affected with Usher Syndrome (e.g., Besnard_2012). These data indicate that the variant may be associated with disease. The following publication has been ascertained in the context of this evaluation (PMID: 22147658). ClinVar contains an entry for this variant (Variation ID: 31704). Based on the evidence outlined above, the variant was classified as pathogenic.

Labcorp Genetics (formerly Invitae), Labcorp
Classification: Pathogenic. Last evaluated: 2023-07-29. Review status: criteria provided, single submitter. Criteria: Invitae Variant Classification Sherloc (09022015). Collection method: clinical testing. Allele origin: germline.
Comment: This sequence change creates a premature translational stop signal (p.Pro246Hisfs*13) in the WHRN gene. It is expected to result in an absent or disrupted protein product. Loss-of-function variants in WHRN are known to be pathogenic (PMID: 12833159, 15841483, 22147658). This variant is not present in population databases (gnomAD no frequency). This premature translational stop signal has been observed in individual(s) with Usher syndrome (PMID: 21569298). ClinVar contains an entry for this variant (Variation ID: 31704). For these reasons, this variant has been classified as Pathogenic.

Blueprint Genetics
Classification: Pathogenic for DFNB31-related disorders. Last evaluated: 2023-05-15. Review status: criteria provided, single submitter. Criteria: ACMG Guidelines, 2015. Collection method: clinical testing. Allele origin: germline. Affected: yes. Observed: 4 variant alleles.

OMIM
Classification: Pathogenic for USHER SYNDROME, TYPE IID. Last evaluated: 2012-03-01. Review status: no assertion criteria provided. Collection method: literature only. Allele origin: germline. Not counted in ClinVar's aggregate classification.

Literature cited by the submitters: PubMed 22147658 (cited by 3 submitters); PubMed 12833159 (cited by Labcorp Genetics (formerly Invitae), Labcorp); PubMed 15841483 (cited by Labcorp Genetics (formerly Invitae), Labcorp); PubMed 21569298 (cited by Labcorp Genetics (formerly Invitae), Labcorp).

NM_015404.4(WHRN):c.737del (p.Pro246fs)

Gene: WHRN (whirlin; minus strand). Cytogenetic location: 9q32.
Variant type: Deletion.
Coding change: c.737del on transcript NM_015404.4 (MANE Select); coding-DNA position 737, one base deleted (C; older notation c.737delC).
Protein change: p.Pro246fs; shifts the reading frame from proline 246.
Molecular consequence: frameshift variant. On other transcripts: 5 prime UTR variant (1).
Genome position (GRCh38, 1-based): chr9:114,478,653, G deleted on the plus strand (C on the coding strand, the reverse complement: WHRN is on the minus strand); the first of 4 consecutive G bases (chr9:114,478,653-114,478,656); deleting any one gives the same sequence. VCF-style (leftmost placement, unchanged base first): chr9-114478652-TG-T. GRCh37 (hg19) VCF-style: chr9-117240932-TG-T.
Other names: c.-413del (NM_001083885.3); c.737del, p.Pro246fs (NM_001173425.2); c.737delC (NM_015404.4); short protein forms P246fs.
Identifiers: ClinVar variation 31704 (VCV000031704.6), dbSNP rs1589229634, ClinGen allele CA913185087.